The following is an entry in ClinVar:

ClinVar aggregate classification (germline): Uncertain significance. Review status: criteria provided, multiple submitters, no conflicts (2 of 4 stars). 2 submissions from 2 submitters: Uncertain significance (2). Last evaluated 2024-05-16.

Conditions:
Cranioectodermal dysplasia 1 (CED1). Also called: LEVIN SYNDROME I. Identifiers: Orphanet 1515, MedGen C0432235, MONDO:0021093, OMIM 218330.

Allele frequency attached by ClinVar (database versions not stated): gnomAD exomes below 0.00001; gnomAD 0.00001; TOPMed 0.00001.
gnomAD v4.1: 3 of 1,614,008 alleles (0.00019%); highest among the groups gnomAD compares: Admixed American, 0.0017%; no homozygotes.

Submissions (2):

Fulgent Genetics
Classification: Uncertain significance for Cranioectodermal dysplasia 1. Last evaluated: 2024-05-16. Review status: criteria provided, single submitter. Criteria: ACMG Guidelines, 2015. Collection method: clinical testing. Allele origin: germline.

Labcorp Genetics (formerly Invitae), Labcorp
Classification: Uncertain significance for Cranioectodermal dysplasia 1. Last evaluated: 2022-08-10. Review status: criteria provided, single submitter. Criteria: Invitae Variant Classification Sherloc (09022015). Collection method: clinical testing. Allele origin: germline.
Comment: In summary, the available evidence is currently insufficient to determine the role of this variant in disease. Therefore, it has been classified as a Variant of Uncertain Significance. Algorithms developed to predict the effect of missense changes on protein structure and function are either unavailable or do not agree on the potential impact of this missense change (SIFT: "Tolerated"; PolyPhen-2: "Possibly Damaging"; Align-GVGD: "Class C0"). ClinVar contains an entry for this variant (Variation ID: 1389444). This variant has not been reported in the literature in individuals affected with IFT122-related conditions. This variant is present in population databases (no rsID available, gnomAD 0.003%). This sequence change replaces serine, which is neutral and polar, with asparagine, which is neutral and polar, at codon 76 of the IFT122 protein (p.Ser76Asn).

NM_052989.3(IFT122):c.227G>A (p.Ser76Asn)

Gene: IFT122 (intraflagellar transport 122; plus strand). Cytogenetic location: 3q21.3.
Variant type: single nucleotide variant.
Coding change: c.227G>A on transcript NM_052989.3 (MANE Select); coding-DNA position 227, G replaced by A.
Protein change: p.Ser76Asn; replaces serine 76 with asparagine.
Molecular consequence: missense variant. On other transcripts: 5 prime UTR variant (1), intron variant (2).
Genome position (GRCh38, 1-based): chr3:129,458,632, G>A. VCF-style: chr3-129458632-G-A. GRCh37 (hg19) VCF-style: chr3-129177475-G-A.
Other names: c.227G>A, p.Ser76Asn (NM_001280541.2, NM_018262.4, NM_052985.4); c.-224G>A (NM_001280545.2); c.-178-2596G>A (NM_001280546.2); c.194-4928G>A (NM_052990.3); short protein forms S76N.
Identifiers: ClinVar variation 1389444 (VCV001389444.7), dbSNP rs1012943423, ClinGen allele CA354470790.